The following is an entry in ClinVar:

NM_002303.6(LEPR):c.2674-5813C>T

Gene: LEPR (leptin receptor; plus strand). Cytogenetic location: 1p31.3.
Variant type: single nucleotide variant.
Coding change: c.2674-5813C>T on transcript NM_002303.6 (MANE Select); 5813 bases into the intron before coding-DNA position 2674, C replaced by T.
Molecular consequence: intron variant. On other transcripts: synonymous variant (2).
Genome position (GRCh38, 1-based): chr1:65,630,378, C>T. VCF-style: chr1-65630378-C-T. GRCh37 (hg19) VCF-style: chr1-66096061-C-T.
Other names: c.2850C>T, p.Ser950= (NM_001003680.3, NM_001198687.2); c.2674-2774C>T (NM_001003679.3, NM_001198689.2).
Identifiers: ClinVar variation 3353573 (VCV003353573.1).
Genomic context (GRCh38, chr1:65,630,378, plus strand): 5'-TTGTTCACTTGTTTATCTGCTGACCCTCCCTCCACTATTGTCCTATGACCCTGCCAAATC[C>T]CCCTCTGTGAGAAACACCCAAGAATGATCAATAAAAAAAAAAAAGAAAGAAAAAAAAATT-3'

ClinVar aggregate classification (germline): Likely benign (0 of 4 stars; one submission).

Conditions:
LEPR-related disorder. Also called: LEPR-related condition; LEPR-related disorders.

Submission:

PreventionGenetics, part of Exact Sciences
Classification: Likely benign for LEPR-related condition. Last evaluated: 2023-09-29. Review status: no assertion criteria provided. Collection method: clinical testing. Allele origin: germline.
Comment: This variant is classified as likely benign based on ACMG/AMP sequence variant interpretation guidelines (Richards et al. 2015 PMID: 25741868, with internal and published modifications).